The following is an entry in ClinVar:

NM_000059.4(BRCA2):c.9257-2746T>C

Gene: BRCA2 (BRCA2 DNA repair associated; plus strand). Cytogenetic location: 13q13.1.
Variant type: single nucleotide variant.
Coding change: c.9257-2746T>C on transcript NM_000059.4 (MANE Select); 2746 bases into the intron before coding-DNA position 9257, T replaced by C.
Molecular consequence: intron variant.
Genome position (GRCh38, 1-based): chr13:32,391,943, T>C. VCF-style: chr13-32391943-T-C. GRCh37 (hg19) VCF-style: chr13-32966080-T-C.
Other names: IVS 24-2746T>C.
Identifiers: ClinVar variation 209896 (VCV000209896.1), dbSNP rs74047019, ClinGen allele CA276864.
Genomic context (GRCh38, chr13:32,391,943, plus strand): 5'-TTACGTAAAAGTGCAATGAGGAAACTACACTGTTTACTTTTTATTTTTCTGTATTCTAAA[T>C]GTTTTTCAATAAACATGTATTTTATATTTGGGGAAAACAAGATATATTTAAAAAGGACAT-3'

ClinVar aggregate classification (germline): Benign (3 of 4 stars; one submission).

Conditions:
Breast-ovarian cancer, familial, susceptibility to, 2 (BROVCA2). Also called: BRCA2 Hereditary Breast and Ovarian Cancer. Identifiers: Orphanet 145, MedGen C2675520, MONDO:0012933, OMIM 612555. Disease mechanism: loss of function.

Allele frequency attached by ClinVar (database versions not stated): gnomAD 0.00257 and 0.00280; TOPMed 0.00293; 1000 Genomes Project 0.00339; 1000 Genomes Project 30x 0.00344.
gnomAD v4.1: 391 of 152,328 alleles (0.26%); highest among the groups gnomAD compares: African/African-American, 0.88%; 2 homozygotes.

Submission:

Evidence-based Network for the Interpretation of Germline Mutant Alleles (ENIGMA)
Classification: Benign for Breast-ovarian cancer, familial 2. Last evaluated: 2015-01-12. Review status: reviewed by expert panel. Criteria: ENIGMA BRCA1/2 Classification Criteria (2015). Collection method: curation. Allele origin: germline.
Comment: Class 1 not pathogenic based on frequency >1% in an outbred sampleset. Frequency 0.01016 (African), derived from 1000 genomes (2012-04-30).